The following is an entry in ClinVar:

NM_014915.3(ANKRD26):c.1326C>A (p.Asp442Glu)

Gene: ANKRD26 (ankyrin repeat domain containing 26; minus strand). Cytogenetic location: 10p12.1.
Variant type: single nucleotide variant.
Coding change: c.1326C>A on transcript NM_014915.3 (MANE Select); coding-DNA position 1326, C replaced by A.
Protein change: p.Asp442Glu; replaces aspartic acid 442 with glutamic acid.
Molecular consequence: missense variant.
Genome position (GRCh38, 1-based): chr10:27,064,025, G>T on the plus strand (C>A on the coding strand, the complement: ANKRD26 is on the minus strand). VCF-style: chr10-27064025-G-T. GRCh37 (hg19) VCF-style: chr10-27352954-G-T.
Other names: c.1326C>A, p.Asp442Glu (NM_001256053.2); short protein forms D442E.
Identifiers: ClinVar variation 3869317 (VCV003869317.1).
Genomic context (GRCh38, chr10:27,064,025, plus strand): 5'-TAAAAATGAAATATAGCTCTTACCTTCTGCTTGTTCATTTCCTATATTTTTTTCTTTTCC[G>T]TCTGCAGCCCCAGCTAAAGGATCAACATACTTCTGTGGAAAATTCTCAGAGATACTCTGT-3'
Protein context (NP_055730.2, residues 432-452): KYVDPLAGAA[Asp442Glu]GKEKNIGNEQ

ClinVar aggregate classification (germline): Uncertain significance (1 of 4 stars; one submission).

Conditions:
Inborn genetic diseases. Identifiers: MedGen C0950123, MeSH D030342.

gnomAD v4.1: 2 of 1,610,058 alleles (0.00012%); highest among the groups gnomAD compares: Non-Finnish European, 0.000085%; no homozygotes.

Submission:

Ambry Genetics
Classification: Uncertain significance for Inborn genetic diseases. Last evaluated: 2024-12-16. Review status: criteria provided, single submitter. Criteria: Ambry Variant Classification Scheme 2023. Collection method: clinical testing. Allele origin: germline.
Comment: The p.D442E variant (also known as c.1326C>A), located in coding exon 12 of the ANKRD26 gene, results from a C to A substitution at nucleotide position 1326. The aspartic acid at codon 442 is replaced by glutamic acid, an amino acid with highly similar properties. This amino acid position is conserved. In addition, this alteration is predicted to be tolerated by in silico analysis. Based on the available evidence, the clinical significance of this variant remains unclear.